The following is an entry in ClinVar:

ClinVar aggregate classification (germline): Uncertain significance. Review status: criteria provided, multiple submitters, no conflicts (2 of 4 stars). 2 submissions from 2 submitters: Uncertain significance (2). Last evaluated 2025-08-18.

Conditions:
Charcot-Marie-Tooth disease axonal type 2O. Also called: CHARCOT-MARIE-TOOTH NEUROPATHY, AXONAL, TYPE 2O; CHARCOT-MARIE-TOOTH DISEASE, AXONAL, AUTOSOMAL DOMINANT, TYPE 2O; Charcot-Marie-Tooth Neuropathy Type 2O; Charcot-Marie-Tooth disease, axonal, type 20. Identifiers: Orphanet 284232, MedGen C3280220, MONDO:0013644, OMIM 614228.

Submissions (2):

Labcorp Genetics (formerly Invitae), Labcorp
Classification: Uncertain significance for Charcot-Marie-Tooth disease axonal type 2O. Last evaluated: 2025-08-18. Review status: criteria provided, single submitter. Criteria: Invitae Variant Classification Sherloc (09022015). Collection method: clinical testing. Allele origin: germline.
Comment: This sequence change replaces proline, which is neutral and non-polar, with arginine, which is basic and polar, at codon 3979 of the DYNC1H1 protein (p.Pro3979Arg). This variant is not present in population databases (gnomAD no frequency). This variant has not been reported in the literature in individuals affected with DYNC1H1-related conditions. ClinVar contains an entry for this variant (Variation ID: 2662911). Invitae Evidence Modeling of protein sequence and biophysical properties (such as structural, functional, and spatial information, amino acid conservation, physicochemical variation, residue mobility, and thermodynamic stability) indicates that this missense variant is not expected to disrupt DYNC1H1 protein function with a negative predictive value of 95%. In summary, the available evidence is currently insufficient to determine the role of this variant in disease. Therefore, it has been classified as a Variant of Uncertain Significance.

GeneDx
Classification: Uncertain significance. Last evaluated: 2023-04-03. Review status: criteria provided, single submitter. Criteria: GeneDx Variant Classification Process June 2021. Collection method: clinical testing. Allele origin: germline. Affected: yes.
Comment: Not observed at significant frequency in large population cohorts (gnomAD); In silico analysis supports that this missense variant has a deleterious effect on protein structure/function; Has not been previously published as pathogenic or benign to our knowledge; This variant is associated with the following publications: (PMID: 26100331, 25609763, 25512093)

NM_001376.5(DYNC1H1):c.11936C>G (p.Pro3979Arg)

Gene: DYNC1H1 (dynein cytoplasmic 1 heavy chain 1; plus strand). Cytogenetic location: 14q32.31.
Variant type: single nucleotide variant.
Coding change: c.11936C>G on transcript NM_001376.5 (MANE Select); coding-DNA position 11936, C replaced by G.
Protein change: p.Pro3979Arg; replaces proline 3979 with arginine.
Molecular consequence: missense variant.
Genome position (GRCh38, 1-based): chr14:102,040,668, C>G. VCF-style: chr14-102040668-C-G. GRCh37 (hg19) VCF-style: chr14-102507005-C-G.
Other names: short protein forms P3979R.
Identifiers: ClinVar variation 2662911 (VCV002662911.4), dbSNP rs2503851895, ClinGen allele CA391037451.